The following is an entry in ClinVar:

NM_001378778.1(MPDZ):c.1129G>T (p.Asp377Tyr)

Gene: MPDZ (multiple PDZ domain crumbs cell polarity complex component; minus strand). Cytogenetic location: 9p23.
Variant type: single nucleotide variant.
Coding change: c.1129G>T on transcript NM_001378778.1 (MANE Select); coding-DNA position 1129, G replaced by T.
Protein change: p.Asp377Tyr; replaces aspartic acid 377 with tyrosine.
Molecular consequence: missense variant.
Genome position (GRCh38, 1-based): chr9:13,217,252, C>A on the plus strand (G>T on the coding strand, the complement: MPDZ is on the minus strand). VCF-style: chr9-13217252-C-A. GRCh37 (hg19) VCF-style: chr9-13217251-C-A.
Other names: c.1129G>T, p.Asp377Tyr (NM_001261406.2, NM_001261407.2, NM_001330637.2 and 14 more transcripts); short protein forms D377Y.
Identifiers: ClinVar variation 1463637 (VCV001463637.6), dbSNP rs2136140964, ClinGen allele CA372944872.

ClinVar aggregate classification (germline): Uncertain significance (1 of 4 stars; one submission).

Submission:

Labcorp Genetics (formerly Invitae), Labcorp
Classification: Uncertain significance. Last evaluated: 2021-07-31. Review status: criteria provided, single submitter. Criteria: Invitae Variant Classification Sherloc (09022015). Collection method: clinical testing. Allele origin: germline.
Comment: In summary, the available evidence is currently insufficient to determine the role of this variant in disease. Therefore, it has been classified as a Variant of Uncertain Significance. Algorithms developed to predict the effect of missense changes on protein structure and function (SIFT, PolyPhen-2, Align-GVGD) all suggest that this variant is likely to be disruptive. This variant has not been reported in the literature in individuals affected with MPDZ-related conditions. This variant is not present in population databases (ExAC no frequency). This sequence change replaces aspartic acid with tyrosine at codon 377 of the MPDZ protein (p.Asp377Tyr). The aspartic acid residue is highly conserved and there is a large physicochemical difference between aspartic acid and tyrosine.